The following is an entry in ClinVar:

NM_000238.4(KCNH2):c.2904G>A (p.Pro968=)

Gene: KCNH2 (potassium voltage-gated channel subfamily H member 2; minus strand). Cytogenetic location: 7q36.1.
Variant type: single nucleotide variant.
Coding change: c.2904G>A on transcript NM_000238.4 (MANE Select); coding-DNA position 2904, G replaced by A.
Protein change: p.Pro968=; no amino-acid change (proline 968 retained).
Molecular consequence: synonymous variant. On other transcripts: non-coding transcript variant (2).
Genome position (GRCh38, 1-based): chr7:150,947,667, C>T on the plus strand (G>A on the coding strand, the complement: KCNH2 is on the minus strand). VCF-style: chr7-150947667-C-T. GRCh37 (hg19) VCF-style: chr7-150644755-C-T.
Other names: p.P968P:CCG>CCA; c.2616G>A, p.Pro872= (NM_001406753.1); c.1884G>A, p.Pro628= (NM_172057.3).
Identifiers: ClinVar variation 200250 (VCV000200250.22), dbSNP rs75005975, ClinGen allele CA007621.

ClinVar aggregate classification (germline): Benign/Likely benign. Review status: criteria provided, multiple submitters, no conflicts (2 of 4 stars). 6 submissions from 6 submitters: Benign (1); Likely benign (4). 1 of the submissions does not count toward it. Last evaluated 2026-02-02.

Conditions:
KCNH2-related disorder. Also called: KCNH2-related condition; KCNH2-related disorders.
Cardiac arrhythmia. Also called: Arrhythmia; Cardiac rhythm disease. Identifiers: MedGen C0003811, MONDO:0007263, HP:0011675.
Cardiovascular phenotype. Identifiers: MedGen CN230736.
Long QT syndrome (LQTS). Identifiers: MedGen C0023976, MeSH D008133, MONDO:0002442. Disease mechanism: loss of function. Inheritance: Various modes of inheritance.

Allele frequency attached by ClinVar (database versions not stated): ExAC 0.00004; 1000 Genomes Project 0.00020; gnomAD exomes 0.00005 and 0.00014; gnomAD 0.00008; 1000 Genomes Project 30x 0.00016; TOPMed 0.00010.
gnomAD v4.1: 206 of 1,608,250 alleles (0.013%); highest among the groups gnomAD compares: Non-Finnish European, 0.016%; no homozygotes.

Submissions (6):

Labcorp Genetics (formerly Invitae), Labcorp
Classification: Likely benign for Long QT syndrome. Last evaluated: 2026-02-02. Review status: criteria provided, single submitter. Criteria: Invitae Variant Classification Sherloc (09022015). Collection method: clinical testing. Allele origin: germline.

All of Us Research Program, National Institutes of Health
Classification: Likely benign for Long QT syndrome. Last evaluated: 2023-12-13. Review status: criteria provided, single submitter. Criteria: ACMG Guidelines, 2015. Collection method: clinical testing. Allele origin: germline. Inheritance: Autosomal dominant inheritance. Observed: 18 variant alleles, 18 heterozygotes.
Comment: This study involves interpretation of variants in research participants for the purpose of population health screening. Participant phenotype was not available at the time of variant classification. Additional details can be found in publication PMID: 35346344, PMCID: PMC8962531

Color Diagnostics, LLC DBA Color Health
Classification: Likely benign for Arrhythmia. Last evaluated: 2019-01-27. Review status: criteria provided, single submitter. Criteria: ACMG Guidelines, 2015. Collection method: clinical testing. Allele origin: germline.

Ambry Genetics
Classification: Likely benign for Cardiovascular phenotype. Last evaluated: 2016-10-04. Review status: criteria provided, single submitter. Criteria: Ambry Variant Classification Scheme 2023. Collection method: clinical testing. Allele origin: germline.

GeneDx
Classification: Benign. Last evaluated: 2013-08-09. Review status: criteria provided, single submitter. Criteria: GeneDx Variant Classification (06012015). Collection method: clinical testing. Allele origin: germline. Affected: yes.
Comment: This variant is considered likely benign or benign based on one or more of the following criteria: it is a conservative change, it occurs at a poorly conserved position in the protein, it is predicted to be benign by multiple in silico algorithms, and/or has population frequency not consistent with disease.

PreventionGenetics, part of Exact Sciences
Classification: Likely benign for KCNH2-related condition. Last evaluated: 2023-06-02. Review status: no assertion criteria provided. Collection method: clinical testing. Allele origin: germline. Not counted in ClinVar's aggregate classification.
Comment: This variant is classified as likely benign based on ACMG/AMP sequence variant interpretation guidelines (Richards et al. 2015 PMID: 25741868, with internal and published modifications).